The following is an entry in ClinVar:

ClinVar aggregate classification (germline): Uncertain significance. Review status: criteria provided, multiple submitters, no conflicts (2 of 4 stars). 2 submissions from 2 submitters: Uncertain significance (2). Last evaluated 2024-10-21.

Conditions:
Vici syndrome (VICIS). Identifiers: Orphanet 1493, MedGen C1855772, MONDO:0009452, OMIM 242840.

Submissions (2):

Laboratorio de Genetica e Diagnostico Molecular, Hospital Israelita Albert Einstein
Classification: Uncertain significance for Vici syndrome. Last evaluated: 2024-10-21. Review status: criteria provided, single submitter. Criteria: ACMG Guidelines, 2015. Collection method: clinical testing. Allele origin: germline. Affected: yes.
Comment: ACMG classification criteria: PM2 supporting, BP4 supporting

Labcorp Genetics (formerly Invitae), Labcorp
Classification: Uncertain significance for Vici syndrome. Last evaluated: 2022-08-02. Review status: criteria provided, single submitter. Criteria: Invitae Variant Classification Sherloc (09022015). Collection method: clinical testing. Allele origin: germline.
Comment: This sequence change replaces lysine, which is basic and polar, with threonine, which is neutral and polar, at codon 214 of the EPG5 protein (p.Lys214Thr). This variant is not present in population databases (gnomAD no frequency). This variant has not been reported in the literature in individuals affected with EPG5-related conditions. Algorithms developed to predict the effect of missense changes on protein structure and function are either unavailable or do not agree on the potential impact of this missense change (SIFT: "Deleterious"; PolyPhen-2: "Probably Damaging"; Align-GVGD: "Class C0"). In summary, the available evidence is currently insufficient to determine the role of this variant in disease. Therefore, it has been classified as a Variant of Uncertain Significance.

NM_020964.3(EPG5):c.641A>C (p.Lys214Thr)

Gene: EPG5 (ectopic P-granules 5 autophagy tethering factor; minus strand). Cytogenetic location: 18q21.1.
Variant type: single nucleotide variant.
Coding change: c.641A>C on transcript NM_020964.3 (MANE Select); coding-DNA position 641, A replaced by C.
Protein change: p.Lys214Thr; replaces lysine 214 with threonine.
Molecular consequence: missense variant.
Genome position (GRCh38, 1-based): chr18:45,954,761, T>G on the plus strand (A>C on the coding strand, the complement: EPG5 is on the minus strand). VCF-style: chr18-45954761-T-G. GRCh37 (hg19) VCF-style: chr18-43534727-T-G.
Other names: c.641A>C, p.Lys214Thr (NM_001410858.1, NM_001410859.1); short protein forms K214T.
Identifiers: ClinVar variation 2009403 (VCV002009403.5), dbSNP rs571324055, ClinGen allele CA402351279.